The following is an entry in ClinVar:

ClinVar aggregate classification (germline): Uncertain significance. Review status: criteria provided, multiple submitters, no conflicts (2 of 4 stars). 2 submissions from 2 submitters: Uncertain significance (2). Last evaluated 2025-10-31.

gnomAD v4.1: 2 of 1,614,164 alleles (0.00012%); highest among the groups gnomAD compares: East Asian, 0.0045%; no homozygotes.

Submissions (2):

Mayo Clinic Laboratories, Mayo Clinic
Classification: Uncertain significance. Last evaluated: 2025-10-31. Review status: criteria provided, single submitter. Criteria: ACMG Guidelines, 2015. Collection method: clinical testing. Allele origin: germline. Observed: 1 variant allele.
Comment: PP3_moderate, PM2_supporting

GeneDx
Classification: Uncertain significance. Last evaluated: 2025-08-13. Review status: criteria provided, single submitter. Criteria: GeneDx Variant Classification Process June 2021. Collection method: clinical testing. Allele origin: germline. Affected: yes.
Comment: Not observed at significant frequency in large population cohorts (gnomAD); In silico analysis supports that this missense variant has a deleterious effect on protein structure/function; Has not been previously published as pathogenic or benign to our knowledge; This variant is associated with the following publications: (PMID: 24438169)

NM_001130987.2(DYSF):c.865G>A (p.Gly289Arg)

Gene: DYSF (dysferlin; plus strand). Cytogenetic location: 2p13.2.
Variant type: single nucleotide variant.
Coding change: c.865G>A on transcript NM_001130987.2 (MANE Select); coding-DNA position 865, G replaced by A.
Protein change: p.Gly289Arg; replaces glycine 289 with arginine.
Molecular consequence: missense variant.
Genome position (GRCh38, 1-based): chr2:71,515,728, G>A. VCF-style: chr2-71515728-G-A. GRCh37 (hg19) VCF-style: chr2-71742858-G-A.
Other names: p.Gly257Arg; c.772G>A, p.Gly258Arg (NM_001130455.2, NM_001130983.2, NM_001130984.2 and 1 more transcripts); c.769G>A, p.Gly257Arg (NM_001130976.2, NM_001130977.2, NM_001130978.2 and 1 more transcripts); c.862G>A, p.Gly288Arg (NM_001130979.2, NM_001130980.2, NM_001130981.2); c.865G>A, p.Gly289Arg (NM_001130982.2, NM_001130985.2); c.769G>A (NM_003494.3); short protein forms G288R, G289R, G257R, G258R.
Identifiers: ClinVar variation 4540651 (VCV004540651.2).